The following is an entry in ClinVar:

NM_006846.4(SPINK5):c.3182C>G (p.Pro1061Arg)

Gene: SPINK5 (serine peptidase inhibitor Kazal type 5; plus strand). Cytogenetic location: 5q32.
Variant type: single nucleotide variant.
Coding change: c.3182C>G on transcript NM_006846.4 (MANE Select); coding-DNA position 3182, C replaced by G.
Protein change: p.Pro1061Arg; replaces proline 1061 with arginine.
Molecular consequence: missense variant.
Genome position (GRCh38, 1-based): chr5:148,133,883, C>G. VCF-style: chr5-148133883-C-G. GRCh37 (hg19) VCF-style: chr5-147513446-C-G.
Other names: c.3272C>G, p.Pro1091Arg (NM_001127698.2); short protein forms P1091R, P1061R.
Identifiers: ClinVar variation 1421570 (VCV001421570.7), dbSNP rs771163069, ClinGen allele CA361652477.

ClinVar aggregate classification (germline): Uncertain significance (1 of 4 stars; one submission).

Conditions:
Ichthyosis linearis circumflexa. Identifiers: MedGen C0265962, MONDO:0043106, HP:0025810.

gnomAD v4.1: 6 of 1,613,834 alleles (0.00037%); highest among the groups gnomAD compares: African/African-American, 0.0053%; no homozygotes.

Submission:

Labcorp Genetics (formerly Invitae), Labcorp
Classification: Uncertain significance for Ichthyosis linearis circumflexa. Last evaluated: 2022-07-19. Review status: criteria provided, single submitter. Criteria: Invitae Variant Classification Sherloc (09022015). Collection method: clinical testing. Allele origin: germline.
Comment: This variant is not present in population databases (gnomAD no frequency). In summary, the available evidence is currently insufficient to determine the role of this variant in disease. Therefore, it has been classified as a Variant of Uncertain Significance. Algorithms developed to predict the effect of missense changes on protein structure and function are either unavailable or do not agree on the potential impact of this missense change (SIFT: "Deleterious"; PolyPhen-2: "Benign"; Align-GVGD: "Class C0"). ClinVar contains an entry for this variant (Variation ID: 1421570). This variant has not been reported in the literature in individuals affected with SPINK5-related conditions. This sequence change replaces proline, which is neutral and non-polar, with arginine, which is basic and polar, at codon 1061 of the SPINK5 protein (p.Pro1061Arg).